The following is an entry in ClinVar:

NM_017637.6(BNC2):c.2777C>A (p.Pro926His)

Gene: BNC2 (basonuclin zinc finger protein 2; minus strand). Cytogenetic location: 9p22.3.
Variant type: single nucleotide variant.
Coding change: c.2777C>A on transcript NM_017637.6 (MANE Select); coding-DNA position 2777, C replaced by A.
Protein change: p.Pro926His; replaces proline 926 with histidine.
Molecular consequence: missense variant. On other transcripts: 3 prime UTR variant (1).
Genome position (GRCh38, 1-based): chr9:16,419,512, G>T on the plus strand (C>A on the coding strand, the complement: BNC2 is on the minus strand). VCF-style: chr9-16419512-G-T. GRCh37 (hg19) VCF-style: chr9-16419510-G-T.
Other names: c.*121C>A (NM_001317939.2); c.2492C>A, p.Pro831His (NM_001317940.2); short protein forms P831H, P926H.
Identifiers: ClinVar variation 4700939 (VCV004700939.1).

ClinVar aggregate classification (germline): Uncertain significance (1 of 4 stars; one submission).

gnomAD v4.1: 24 of 1,613,986 alleles (0.0015%); highest among the groups gnomAD compares: East Asian, 0.02%; no homozygotes.

Submission:

Labcorp Genetics (formerly Invitae), Labcorp
Classification: Uncertain significance. Last evaluated: 2025-07-06. Review status: criteria provided, single submitter. Criteria: Invitae Variant Classification Sherloc (09022015). Collection method: clinical testing. Allele origin: germline.
Comment: This sequence change replaces proline, which is neutral and non-polar, with histidine, which is basic and polar, at codon 926 of the BNC2 protein (p.Pro926His). This variant is present in population databases (rs368784393, gnomAD 0.03%). This variant has not been reported in the literature in individuals affected with BNC2-related conditions. An algorithm developed to predict the effect of missense changes on protein structure and function (PolyPhen-2) suggests that this variant is likely to be tolerated. In summary, the available evidence is currently insufficient to determine the role of this variant in disease. Therefore, it has been classified as a Variant of Uncertain Significance.